The following is an entry in ClinVar:

ClinVar aggregate classification (germline): Pathogenic. Review status: criteria provided, single submitter (1 of 4 stars). 2 submissions from 2 submitters: Pathogenic (1). 1 of the submissions does not count toward it. Last evaluated 2024-12-19.

Conditions:
Autosomal recessive limb-girdle muscular dystrophy type 2A (LGMDR1). Also called: Muscular dystrophy, limb-girdle, type 2A, Amish; LEYDEN-MOEBIUS MUSCULAR DYSTROPHY; MUSCULAR DYSTROPHY, PELVOFEMORAL; Limb-girdle muscular dystrophy, type 2A; Calpainopathy. Identifiers: Orphanet 267, MedGen C1869123, MONDO:0009675, OMIM 253600. Disease mechanism: loss of function.

Submissions (2):

Labcorp Genetics (formerly Invitae), Labcorp
Classification: Pathogenic for Autosomal recessive limb-girdle muscular dystrophy type 2A. Last evaluated: 2024-12-19. Review status: criteria provided, single submitter. Criteria: Invitae Variant Classification Sherloc (09022015). Collection method: clinical testing. Allele origin: germline.
Comment: This sequence change creates a premature translational stop signal (p.Met248Hisfs*16) in the CAPN3 gene. It is expected to result in an absent or disrupted protein product. Loss-of-function variants in CAPN3 are known to be pathogenic (PMID: 10330340, 15689361). This variant is not present in population databases (gnomAD no frequency). This variant has not been reported in the literature in individuals affected with CAPN3-related conditions. ClinVar contains an entry for this variant (Variation ID: 555260). For these reasons, this variant has been classified as Pathogenic.

Counsyl
Classification: Likely pathogenic for Autosomal recessive limb-girdle muscular dystrophy type 2A. Last evaluated: 2017-11-27. Review status: no assertion criteria provided. Collection method: clinical testing. Allele origin: unknown. Not counted in ClinVar's aggregate classification.

Literature cited by the submitters: PubMed 10330340 (cited by Labcorp Genetics (formerly Invitae), Labcorp); PubMed 15689361 (cited by Labcorp Genetics (formerly Invitae), Labcorp).

NM_000070.3(CAPN3):c.741_751del (p.Met248fs)

Gene: CAPN3 (calpain 3; plus strand). Cytogenetic location: 15q15.1.
Variant type: Deletion.
Coding change: c.741_751del on transcript NM_000070.3 (MANE Select); coding-DNA positions 741 to 751, 11 bases deleted (CATGTACAAGA).
Protein change: p.Met248fs; shifts the reading frame from methionine 248.
Molecular consequence: frameshift variant.
Genome position (GRCh38, 1-based): chr15:42,389,036-42,389,046, CATGTACAAGA deleted; deleting any 11 consecutive bases within chr15:42,389,034-42,389,046 gives the same sequence; the c. name uses the placement nearest the transcript's 3' end. VCF-style (leftmost placement, unchanged base first): chr15-42389033-TGACATGTACAA-T. GRCh37 (hg19) VCF-style: chr15-42681231-TGACATGTACAA-T.
Other names: c.741_751delCATGTACAAGA (NM_000070.2); c.741_751del, p.Met248fs (NM_024344.2, NM_173087.2); short protein forms M248fs.
Identifiers: ClinVar variation 555260 (VCV000555260.8), dbSNP rs1555420647, ClinGen allele CA658824243.